The following is an entry in ClinVar:

NM_005876.5(SPEG):c.1183C>G (p.Arg395Gly)

Gene: SPEG (striated muscle enriched protein kinase; plus strand). Cytogenetic location: 2q35.
Variant type: single nucleotide variant.
Coding change: c.1183C>G on transcript NM_005876.5 (MANE Select); coding-DNA position 1183, C replaced by G.
Protein change: p.Arg395Gly; replaces arginine 395 with glycine.
Molecular consequence: missense variant.
Genome position (GRCh38, 1-based): chr2:219,448,341, C>G. VCF-style: chr2-219448341-C-G. GRCh37 (hg19) VCF-style: chr2-220313063-C-G.
Other names: short protein forms R395G.
Identifiers: ClinVar variation 1468638 (VCV001468638.6), dbSNP rs1689476622, ClinGen allele CA350717530.
Genomic context (GRCh38, chr2:219,448,341, plus strand): 5'-ACGCCACTGAGCGAGGCCTCAGGCCGCCTGTCGGCGTTGGGCCGATCGCCTAGGCTGGTG[C>G]GCGCCGGCTCCCGCATCCTGGACAAGCTGCAGTTCTTCGAGGAGCGACGGCGCAGCCTGG-3'
Protein context (NP_005867.3, residues 385-405): SALGRSPRLV[Arg395Gly]AGSRILDKLQ

ClinVar aggregate classification (germline): Uncertain significance (1 of 4 stars; one submission).

Submission:

Labcorp Genetics (formerly Invitae), Labcorp
Classification: Uncertain significance. Last evaluated: 2021-10-24. Review status: criteria provided, single submitter. Criteria: Invitae Variant Classification Sherloc (09022015). Collection method: clinical testing. Allele origin: germline.
Comment: In summary, the available evidence is currently insufficient to determine the role of this variant in disease. Therefore, it has been classified as a Variant of Uncertain Significance. Algorithms developed to predict the effect of missense changes on protein structure and function are either unavailable or do not agree on the potential impact of this missense change (SIFT: "Deleterious"; PolyPhen-2: "Benign"; Align-GVGD: "Class C0"). This variant has not been reported in the literature in individuals affected with SPEG-related conditions. This variant is not present in population databases (ExAC no frequency). This sequence change replaces arginine with glycine at codon 395 of the SPEG protein (p.Arg395Gly). The arginine residue is highly conserved and there is a moderate physicochemical difference between arginine and glycine.